The following is an entry in ClinVar:

ClinVar aggregate classification (germline): Likely benign. Review status: criteria provided, multiple submitters, no conflicts (2 of 4 stars). 3 submissions from 3 submitters: Likely benign (3). Last evaluated 2025-04-11.

Conditions:
PYGM-related disorder. Also called: PYGM-related condition.
Glycogen storage disease, type V (GSD5). Also called: MCARDLE DISEASE; MUSCLE GLYCOGEN PHOSPHORYLASE DEFICIENCY; MYOPHOSPHORYLASE DEFICIENCY; PYGM DEFICIENCY; McArdle type glycogen storage disease. Identifiers: Orphanet 368, MedGen C0017924, MONDO:0009293, OMIM 232600.

Allele frequency attached by ClinVar (database versions not stated): TOPMed 0.00002.
gnomAD v4.1: 47 of 1,613,518 alleles (0.0029%); highest among the groups gnomAD compares: Admixed American, 0.043%; no homozygotes.

Submissions (3):

Labcorp Genetics (formerly Invitae), Labcorp
Classification: Likely benign for Glycogen storage disease, type V. Last evaluated: 2025-04-11. Review status: criteria provided, single submitter. Criteria: Invitae Variant Classification Sherloc (09022015). Collection method: clinical testing. Allele origin: germline.

PreventionGenetics, part of Exact Sciences
Classification: Likely benign for PYGM-related condition. Last evaluated: 2025-03-28. Review status: criteria provided, single submitter. Criteria: ACMG Guidelines, 2015. Collection method: clinical testing. Allele origin: germline.
Comment: This variant is classified as likely benign based on ACMG/AMP sequence variant interpretation guidelines (Richards et al. 2015 PMID: 25741868, with internal and published modifications).

GeneDx
Classification: Likely benign. Last evaluated: 2021-09-13. Review status: criteria provided, single submitter. Criteria: GeneDx Variant Classification Process June 2021. Collection method: clinical testing. Allele origin: germline. Affected: yes.

NM_005609.4(PYGM):c.1524C>T (p.Ile508=)

Gene: PYGM (glycogen phosphorylase, muscle associated; minus strand). Cytogenetic location: 11q13.1.
Variant type: single nucleotide variant.
Coding change: c.1524C>T on transcript NM_005609.4 (MANE Select); coding-DNA position 1524, C replaced by T.
Protein change: p.Ile508=; no amino-acid change (isoleucine 508 retained).
Molecular consequence: synonymous variant.
Genome position (GRCh38, 1-based): chr11:64,752,499, G>A on the plus strand (C>T on the coding strand, the complement: PYGM is on the minus strand). VCF-style: chr11-64752499-G-A. GRCh37 (hg19) VCF-style: chr11-64519971-G-A.
Other names: c.1260C>T, p.Ile420= (NM_001164716.1).
Identifiers: ClinVar variation 512231 (VCV000512231.16), dbSNP rs540436223, ClinGen allele CA6079819.